The following is an entry in ClinVar:

ClinVar aggregate classification (germline): Pathogenic (1 of 4 stars; one submission).

Conditions:
Neurofibromatosis, type 1 (NF1). Also called: VON RECKLINGHAUSEN DISEASE; Peripheral type neurofibromatosis; NEUROFIBROMATOSIS, TYPE I, SOMATIC; Neurofibromatosis, type I. Identifiers: Orphanet 636, MedGen C0027831, MONDO:0018975, OMIM 162200. Disease mechanism: loss of function.

Submission:

Labcorp Genetics (formerly Invitae), Labcorp
Classification: Pathogenic for Neurofibromatosis, type 1. Last evaluated: 2022-07-21. Review status: criteria provided, single submitter. Criteria: Invitae Variant Classification Sherloc (09022015). Collection method: clinical testing. Allele origin: germline.
Comment: For these reasons, this variant has been classified as Pathogenic. ClinVar contains an entry for this variant (Variation ID: 1073115). This variant is also known as 658delT. This premature translational stop signal has been observed in individual(s) with clinical features of neurofibromatosis type 1 (PMID: 9195229). This variant is not present in population databases (gnomAD no frequency). This sequence change creates a premature translational stop signal (p.Trp221Glyfs*4) in the NF1 gene. It is expected to result in an absent or disrupted protein product. Loss-of-function variants in NF1 are known to be pathogenic (PMID: 10712197, 23913538).

Literature cited by the submitters: PubMed 9195229; PubMed 10712197; PubMed 23913538.

NM_001042492.3(NF1):c.661del (p.Trp221fs)

Gene: NF1 (neurofibromin 1; plus strand). Cytogenetic location: 17q11.2.
Variant type: Deletion.
Coding change: c.661del on transcript NM_001042492.3 (MANE Select); coding-DNA position 661, one base deleted (T; older notation c.661delT).
Protein change: p.Trp221fs; shifts the reading frame from tryptophan 221.
Molecular consequence: frameshift variant.
Genome position (GRCh38, 1-based): chr17:31,181,716, T deleted; the last of 4 consecutive T bases (chr17:31,181,713-31,181,716); deleting any one gives the same sequence. VCF-style (leftmost placement, unchanged base first): chr17-31181712-AT-A. GRCh37 (hg19) VCF-style: chr17-29508730-AT-A.
Other names: c.661delT, p.Trp221Glyfs (NM_000267.4); c.661del, p.Trp221fs (NM_001128147.3); short protein forms W221fs.
Identifiers: ClinVar variation 1073115 (VCV001073115.5), dbSNP rs2143777361, ClinGen allele CA2499223962.